The following is an entry in ClinVar:

NM_001099922.3(ALG13):c.1619C>G (p.Ala540Gly)

Gene: ALG13 (ALG13 UDP-N-acetylglucosaminyltransferase subunit; plus strand). Cytogenetic location: Xq23.
Variant type: single nucleotide variant.
Coding change: c.1619C>G on transcript NM_001099922.3 (MANE Select); coding-DNA position 1619, C replaced by G.
Protein change: p.Ala540Gly; replaces alanine 540 with glycine.
Molecular consequence: missense variant. On other transcripts: non-coding transcript variant (1).
Genome position (GRCh38, 1-based): chrX:111,724,951, C>G. VCF-style: chrX-111724951-C-G. GRCh37 (hg19) VCF-style: chrX-110968179-C-G.
Other names: c.1307C>G, p.Ala436Gly (NM_001257230.2, NM_001257234.2, NM_001257237.2); c.1385C>G, p.Ala462Gly (NM_001257231.2); c.1619C>G, p.Ala540Gly (NM_001324292.2); c.1133C>G, p.Ala378Gly (NM_001324293.1); short protein forms A378G, A540G, A436G, A462G.
Identifiers: ClinVar variation 1372664 (VCV001372664.3), dbSNP rs1234385710, ClinGen allele CA414252150.

ClinVar aggregate classification (germline): Uncertain significance (1 of 4 stars; one submission).

Conditions:
Developmental and epileptic encephalopathy, 36 (DEE36). Also called: Epileptic encephalopathy, early infantile, 36; ALG13-CDG; Congenital disorder of glycosylation, type Is. Identifiers: Orphanet 324422, MedGen C4317295, MONDO:0010472, OMIM 300884.

gnomAD v4.1: 2 of 1,210,093 alleles (0.00017%); highest among the groups gnomAD compares: Non-Finnish European, 0.00022%; no homozygotes.

Submission:

Labcorp Genetics (formerly Invitae), Labcorp
Classification: Uncertain significance for Developmental and epileptic encephalopathy, 36. Last evaluated: 2021-12-02. Review status: criteria provided, single submitter. Criteria: Invitae Variant Classification Sherloc (09022015). Collection method: clinical testing. Allele origin: germline.
Comment: This sequence change replaces alanine, which is neutral and non-polar, with glycine, which is neutral and non-polar, at codon 540 of the ALG13 protein (p.Ala540Gly). This variant is not present in population databases (gnomAD no frequency). This variant has not been reported in the literature in individuals affected with ALG13-related conditions. Algorithms developed to predict the effect of missense changes on protein structure and function (SIFT, PolyPhen-2, Align-GVGD) all suggest that this variant is likely to be tolerated. Algorithms developed to predict the effect of sequence changes on RNA splicing suggest that this variant may create or strengthen a splice site. In summary, the available evidence is currently insufficient to determine the role of this variant in disease. Therefore, it has been classified as a Variant of Uncertain Significance.